The following is an entry in ClinVar:

ClinVar aggregate classification (germline): Uncertain significance (1 of 4 stars; one submission).

Submission:

Labcorp Genetics (formerly Invitae), Labcorp
Classification: Uncertain significance. Last evaluated: 2023-03-22. Review status: criteria provided, single submitter. Criteria: Invitae Variant Classification Sherloc (09022015). Collection method: clinical testing. Allele origin: germline.
Comment: This variant has not been reported in the literature in individuals affected with PTDSS1-related conditions. In summary, the available evidence is currently insufficient to determine the role of this variant in disease. Therefore, it has been classified as a Variant of Uncertain Significance. An algorithm developed to predict the effect of missense changes on protein structure and function (PolyPhen-2) suggests that this variant is likely to be tolerated. This variant is not present in population databases (gnomAD no frequency). This sequence change replaces aspartic acid, which is acidic and polar, with histidine, which is basic and polar, at codon 441 of the PTDSS1 protein (p.Asp441His).

NM_014754.3(PTDSS1):c.1321G>C (p.Asp441His)

Gene: PTDSS1 (phosphatidylserine synthase 1; plus strand). Cytogenetic location: 8q22.1.
Variant type: single nucleotide variant.
Coding change: c.1321G>C on transcript NM_014754.3 (MANE Select); coding-DNA position 1321, G replaced by C.
Protein change: p.Asp441His; replaces aspartic acid 441 with histidine.
Molecular consequence: missense variant.
Genome position (GRCh38, 1-based): chr8:96,333,465, G>C. VCF-style: chr8-96333465-G-C. GRCh37 (hg19) VCF-style: chr8-97345693-G-C.
Other names: c.883G>C, p.Asp295His (NM_001290225.2); short protein forms D441H, D295H.
Identifiers: ClinVar variation 2848670 (VCV002848670.3), dbSNP rs2488213787, ClinGen allele CA371758868.